The following is an entry in ClinVar:

ClinVar aggregate classification (germline): Pathogenic. Review status: criteria provided, multiple submitters, no conflicts (2 of 4 stars). 4 submissions from 4 submitters: Pathogenic (4). Last evaluated 2026-01-07.

Conditions:
Hereditary cancer-predisposing syndrome. Also called: Tumor predisposition; Neoplastic Syndromes, Hereditary; Hereditary Cancer Syndrome; Hereditary neoplastic syndrome. Identifiers: Orphanet 140162, MedGen C0027672, MeSH D009386, MONDO:0015356.
Familial cancer of breast. Also called: Hereditary breast cancer; BREAST CANCER, FAMILIAL; hereditary breast carcinoma. Identifiers: Orphanet 227535, MedGen C0346153, MONDO:0016419, OMIM 114480. Disease mechanism: loss of function.
Ataxia-telangiectasia syndrome (AT). Also called: ATAXIA-TELANGIECTASIA, COMPLEMENTATION GROUP A; ATAXIA-TELANGIECTASIA, FRESNO VARIANT; Ataxia-telangiectasia; Ataxia-telangiectasia, complementation group D; AT, COMPLEMENTATION GROUP C; Ataxia-telangiectasia, complementation group E. Identifiers: Orphanet 100, MedGen C0004135, MONDO:0008840, OMIM 208900.

Submissions (4):

Ambry Genetics
Classification: Pathogenic for Hereditary cancer-predisposing syndrome. Last evaluated: 2026-01-07. Review status: criteria provided, single submitter. Criteria: Ambry Variant Classification Scheme 2023. Collection method: clinical testing. Allele origin: germline.
Comment: The c.5991delT pathogenic mutation, located in coding exon 39 of the ATM gene, results from a deletion of one nucleotide at nucleotide position 5991, causing a translational frameshift with a predicted alternate stop codon (p.G1998Efs*2). This variant is considered to be rare based on population cohorts in the Genome Aggregation Database (gnomAD).This alteration is expected to result in loss of function by premature protein truncation or nonsense-mediated mRNA decay. As such, this alteration is interpreted as a disease-causing mutation.

Labcorp Genetics (formerly Invitae), Labcorp
Classification: Pathogenic for Ataxia-telangiectasia syndrome. Last evaluated: 2025-09-22. Review status: criteria provided, single submitter. Criteria: Invitae Variant Classification Sherloc (09022015). Collection method: clinical testing. Allele origin: germline.
Comment: This sequence change creates a premature translational stop signal (p.Gly1998Glufs*2) in the ATM gene. It is expected to result in an absent or disrupted protein product. Loss-of-function variants in ATM are known to be pathogenic (PMID: 23807571, 25614872). This variant is not present in population databases (gnomAD no frequency). This variant has not been reported in the literature in individuals affected with ATM-related conditions. ClinVar contains an entry for this variant (Variation ID: 826102). RNA analysis performed to evaluate the impact of this premature translational stop signal on mRNA splicing indicates it does not significantly alter splicing (internal data). For these reasons, this variant has been classified as Pathogenic.

Myriad Genetics, Inc.
Classification: Pathogenic for Familial cancer of breast. Last evaluated: 2023-06-27. Review status: criteria provided, single submitter. Criteria: Myriad Autosomal Dominant, Autosomal Recessive and X-Linked Classification Criteria (2023). Collection method: clinical testing. Allele origin: unknown.
Comment: This variant is considered pathogenic. This variant creates a frameshift predicted to result in premature protein truncation.

Color Diagnostics, LLC DBA Color Health
Classification: Pathogenic for Hereditary cancer-predisposing syndrome. Last evaluated: 2020-04-06. Review status: criteria provided, single submitter. Criteria: ACMG Guidelines, 2015. Collection method: clinical testing. Allele origin: germline.
Comment: This variant deletes 1 nucleotide in exon 40 of the ATM gene, creating a frameshift and premature translation stop signal. This variant is expected to result in an absent or non-functional protein product. To our knowledge, this variant has not been reported in individuals affected with hereditary cancer in the literature. This variant has not been identified in the general population by the Genome Aggregation Database (gnomAD). Loss of ATM function is a known mechanism of disease. Based on the available evidence, this variant is classified as Pathogenic.

Literature cited by the submitters: PubMed 23807571 (cited by Labcorp Genetics (formerly Invitae), Labcorp); PubMed 25614872 (cited by Labcorp Genetics (formerly Invitae), Labcorp).

NM_000051.4(ATM):c.5991del (p.Gly1998fs)

Genes: ATM (ATM serine/threonine kinase; plus strand), C11orf65 (chromosome 11 open reading frame 65; minus strand). Cytogenetic location: 11q22.3.
Variant type: Deletion.
Coding change: c.5991del on transcript NM_000051.4 (MANE Select); coding-DNA position 5991, one base deleted (T; older notation c.5991delT).
Protein change: p.Gly1998fs; shifts the reading frame from glycine 1998.
Molecular consequence: frameshift variant. On other transcripts: intron variant (2).
Genome position (GRCh38, 1-based): chr11:108,312,483, T deleted. VCF-style (leftmost placement, unchanged base first): chr11-108312482-CT-C. GRCh37 (hg19) VCF-style: chr11-108183209-CT-C.
Other names: c.5991del (NM_000051.3); c.5991del, p.Gly1998fs (NM_001351834.2); c.641-3412del (NM_001330368.2); c.*39-3412del (NM_001351110.2); short protein forms G1998fs.
Identifiers: ClinVar variation 826102 (VCV000826102.11), dbSNP rs1591758884, ClinGen allele CA915947643.